The following is an entry in ClinVar:

NM_015932.6(POMP):c.113T>C (p.Val38Ala)

Gene: POMP (proteasome maturation protein; plus strand). Cytogenetic location: 13q12.3.
Variant type: single nucleotide variant.
Coding change: c.113T>C on transcript NM_015932.6 (MANE Select); coding-DNA position 113, T replaced by C.
Protein change: p.Val38Ala; replaces valine 38 with alanine.
Molecular consequence: missense variant.
Genome position (GRCh38, 1-based): chr13:28,664,520, T>C. VCF-style: chr13-28664520-T-C. GRCh37 (hg19) VCF-style: chr13-29238657-T-C.
Other names: c.113T>C (NM_015932.5); short protein forms V38A.
Identifiers: ClinVar variation 1437956 (VCV001437956.7), dbSNP rs780481787, ClinGen allele CA6931031.

ClinVar aggregate classification (germline): Uncertain significance. Review status: criteria provided, multiple submitters, no conflicts (2 of 4 stars). 2 submissions from 2 submitters: Uncertain significance (2). Last evaluated 2025-07-01.

Conditions:
Inborn genetic diseases. Identifiers: MedGen C0950123, MeSH D030342.

Allele frequency attached by ClinVar (database versions not stated): gnomAD exomes 0.00001 and 0.00004; ExAC 0.00002; TOPMed 0.00006; gnomAD 0.00011 and 0.00012.
gnomAD v4.1: 35 of 1,581,068 alleles (0.0022%); highest among the groups gnomAD compares: Admixed American, 0.04%; no homozygotes.

Submissions (2):

Labcorp Genetics (formerly Invitae), Labcorp
Classification: Uncertain significance. Last evaluated: 2025-07-01. Review status: criteria provided, single submitter. Criteria: Invitae Variant Classification Sherloc (09022015). Collection method: clinical testing. Allele origin: germline.
Comment: This sequence change replaces valine, which is neutral and non-polar, with alanine, which is neutral and non-polar, at codon 38 of the POMP protein (p.Val38Ala). This variant is present in population databases (rs780481787, gnomAD 0.03%). This variant has not been reported in the literature in individuals affected with POMP-related conditions. ClinVar contains an entry for this variant (Variation ID: 1437956). An algorithm developed to predict the effect of missense changes on protein structure and function (PolyPhen-2) suggests that this variant is likely to be tolerated. In summary, the available evidence is currently insufficient to determine the role of this variant in disease. Therefore, it has been classified as a Variant of Uncertain Significance.

Ambry Genetics
Classification: Uncertain significance for Inborn genetic diseases. Last evaluated: 2024-03-28. Review status: criteria provided, single submitter. Criteria: Ambry Variant Classification Scheme 2023. Collection method: clinical testing. Allele origin: germline.